The following is an entry in ClinVar:

NM_006914.4(RORB):c.271G>C (p.Asp91His)

Gene: RORB (RAR related orphan receptor B; plus strand). Cytogenetic location: 9q21.13.
Variant type: single nucleotide variant.
Coding change: c.271G>C on transcript NM_006914.4 (MANE Select); coding-DNA position 271, G replaced by C.
Protein change: p.Asp91His; replaces aspartic acid 91 with histidine.
Molecular consequence: missense variant.
Genome position (GRCh38, 1-based): chr9:74,642,449, G>C. VCF-style: chr9-74642449-G-C. GRCh37 (hg19) VCF-style: chr9-77257365-G-C.
Other names: c.304G>C, p.Asp102His (NM_001365023.1); short protein forms D102H, D91H.
Identifiers: ClinVar variation 4723439 (VCV004723439.1).

ClinVar aggregate classification (germline): Uncertain significance (1 of 4 stars; one submission).

Submission:

Labcorp Genetics (formerly Invitae), Labcorp
Classification: Uncertain significance. Last evaluated: 2025-07-18. Review status: criteria provided, single submitter. Criteria: Invitae Variant Classification Sherloc (09022015). Collection method: clinical testing. Allele origin: germline.
Comment: This sequence change replaces aspartic acid, which is acidic and polar, with histidine, which is basic and polar, at codon 91 of the RORB protein (p.Asp91His). This variant is not present in population databases (gnomAD no frequency). This variant has not been reported in the literature in individuals affected with RORB-related conditions. An algorithm developed to predict the effect of missense changes on protein structure and function (PolyPhen-2) suggests that this variant is likely to be disruptive. In summary, the available evidence is currently insufficient to determine the role of this variant in disease. Therefore, it has been classified as a Variant of Uncertain Significance.